The following is an entry in ClinVar:

ClinVar aggregate classification (germline): Conflicting classifications of pathogenicity. Review status: criteria provided, conflicting classifications (1 of 4 stars). 5 submissions from 5 submitters: Uncertain significance (1); Benign (1); Likely benign (2). 1 of the submissions does not count toward it. Last evaluated 2026-05-20.

Conditions:
Neurofibromatosis, type 1 (NF1). Also called: NEUROFIBROMATOSIS, TYPE I, SOMATIC; Peripheral type neurofibromatosis; VON RECKLINGHAUSEN DISEASE; Neurofibromatosis, type I. Identifiers: Orphanet 636, MedGen C0027831, MONDO:0018975, OMIM 162200. Disease mechanism: loss of function.
NF1-related disorder. Also called: NF1-related condition. Identifiers: MedGen CN379171.
Cardiovascular phenotype. Identifiers: MedGen CN230736.
Hereditary cancer-predisposing syndrome. Also called: Tumor predisposition; Hereditary Cancer Syndrome; Hereditary neoplastic syndrome; Neoplastic Syndromes, Hereditary. Identifiers: Orphanet 140162, MedGen C0027672, MeSH D009386, MONDO:0015356.

Allele frequency attached by ClinVar (database versions not stated): gnomAD 0.00001; gnomAD exomes below 0.00001 and 0.00001; ExAC 0.00001; TOPMed 0.00001.
gnomAD v4.1: 2 of 1,612,806 alleles (0.00012%); highest among the groups gnomAD compares: Admixed American, 0.0033%; no homozygotes.

Submissions (5):

Myriad Genetics, Inc.
Classification: Benign for Neurofibromatosis, type 1. Last evaluated: 2026-05-20. Review status: criteria provided, single submitter. Criteria: Myriad Autosomal Dominant, Autosomal Recessive and X-Linked Classification Criteria (2023). Collection method: clinical testing. Allele origin: unknown.
Comment: This variant is considered benign. This variant is a silent/synonymous amino acid change and it is not expected to impact splicing.

Quest Diagnostics Nichols Institute San Juan Capistrano
Classification: Uncertain significance. Last evaluated: 2025-09-05. Review status: criteria provided, single submitter. Criteria: Quest Diagnostics criteria. Collection method: clinical testing. Allele origin: unknown.

Labcorp Genetics (formerly Invitae), Labcorp
Classification: Likely benign for Neurofibromatosis, type 1. Last evaluated: 2025-06-11. Review status: criteria provided, single submitter. Criteria: Invitae Variant Classification Sherloc (09022015). Collection method: clinical testing. Allele origin: germline.

Ambry Genetics
Classification: Likely benign for Cardiovascular phenotype; Hereditary cancer-predisposing syndrome. Last evaluated: 2020-10-29. Review status: criteria provided, single submitter. Criteria: Ambry Variant Classification Scheme 2023. Collection method: clinical testing. Allele origin: germline.

PreventionGenetics, part of Exact Sciences
Classification: Likely benign for NF1-related condition. Last evaluated: 2024-03-05. Review status: no assertion criteria provided. Collection method: clinical testing. Allele origin: germline. Not counted in ClinVar's aggregate classification.
Comment: This variant is classified as likely benign based on ACMG/AMP sequence variant interpretation guidelines (Richards et al. 2015 PMID: 25741868, with internal and published modifications).

NM_001042492.3(NF1):c.5145G>A (p.Leu1715=)

Gene: NF1 (neurofibromin 1; plus strand). Cytogenetic location: 17q11.2.
Variant type: single nucleotide variant.
Coding change: c.5145G>A on transcript NM_001042492.3 (MANE Select); coding-DNA position 5145, G replaced by A.
Protein change: p.Leu1715=; no amino-acid change (leucine 1715 retained).
Molecular consequence: synonymous variant.
Genome position (GRCh38, 1-based): chr17:31,326,129, G>A. VCF-style: chr17-31326129-G-A. GRCh37 (hg19) VCF-style: chr17-29653147-G-A.
Other names: c.5082G>A, p.Leu1694= (NM_000267.4).
Identifiers: ClinVar variation 756657 (VCV000756657.16), dbSNP rs762436173, ClinGen allele CA8487139.